The following is an entry in ClinVar:

ClinVar aggregate classification (germline): Pathogenic (1 of 4 stars; one submission).

Conditions:
Fanconi anemia (FA). Also called: Fanconi's anemia. Identifiers: Orphanet 84, MedGen C0015625, MeSH D005199, MONDO:0019391.

Submission:

Labcorp Genetics (formerly Invitae), Labcorp
Classification: Pathogenic for Fanconi anemia. Last evaluated: 2024-08-09. Review status: criteria provided, single submitter. Criteria: Invitae Variant Classification Sherloc (09022015). Collection method: clinical testing. Allele origin: germline.
Comment: This sequence change creates a premature translational stop signal (p.Thr319Tyrfs*55) in the FANCC gene. It is expected to result in an absent or disrupted protein product. Loss-of-function variants in FANCC are known to be pathogenic (PMID: 17924555). This variant is not present in population databases (gnomAD no frequency). This variant has not been reported in the literature in individuals affected with FANCC-related conditions. For these reasons, this variant has been classified as Pathogenic.

Literature cited by the submitters: PubMed 17924555.

NM_000136.3(FANCC):c.954dup (p.Thr319fs)

Genes: AOPEP (aminopeptidase O (putative); plus strand), FANCC (FA complementation group C; minus strand). Cytogenetic location: 9q22.32.
Variant type: Duplication.
Coding change: c.954dup on transcript NM_000136.3 (MANE Select); coding-DNA position 954, one base duplicated (T; older notation c.954dupT).
Protein change: p.Thr319fs; shifts the reading frame from threonine 319.
Molecular consequence: frameshift variant.
Genome position (GRCh38, 1-based): chr9:95,125,128, A duplicated on the plus strand (T on the coding strand, the reverse complement: FANCC is on the minus strand); the first of 3 consecutive A bases (chr9:95,125,128-95,125,130); duplicating any one gives the same sequence. VCF-style (leftmost placement, unchanged base first): chr9-95125127-T-TA. GRCh37 (hg19) VCF-style: chr9-97887409-T-TA.
Other names: c.954dup, p.Thr319fs (NM_001243743.2, NM_001243744.2); short protein forms T319fs.
Identifiers: ClinVar variation 3625736 (VCV003625736.2).
Genomic context (GRCh38, chr9:95,125,127, plus strand): 5'-TATATGTGATATAACAAACCTGCTTGCTTGCTTTCTCCAGAGCTTCTACAAAGCACTGCG[T>TA]AAACACCTGAATAGTGGCTATGATTTCCAGGGCCCCATCGGTTTCCAGGAGTGCACACCT-3'